The following is an entry in ClinVar:

NM_030665.4(RAI1):c.226G>A (p.Asp76Asn)

Gene: RAI1 (retinoic acid induced 1; plus strand). Cytogenetic location: 17p11.2.
Variant type: single nucleotide variant.
Coding change: c.226G>A on transcript NM_030665.4 (MANE Select); coding-DNA position 226, G replaced by A.
Protein change: p.Asp76Asn; replaces aspartic acid 76 with asparagine.
Molecular consequence: missense variant.
Genome position (GRCh38, 1-based): chr17:17,793,174, G>A. VCF-style: chr17-17793174-G-A. GRCh37 (hg19) VCF-style: chr17-17696488-G-A.
Other names: c.226G>A (NM_030665.3); short protein forms D76N.
Identifiers: ClinVar variation 1098707 (VCV001098707.10), dbSNP rs936181213, ClinGen allele CA288366898.
Genomic context (GRCh38, chr17:17,793,174, plus strand): 5'-TACCCGAGCTATGAGGGTGGCGCTGGCACGCCCTCTGGCACTGCAGCCGCGGTGGCCGCC[G>A]ACAAGTACCACCGAGGCAGCAAGGCCCTGCCCACACAGCAAGGCCTGCAGGGGAGGCCGG-3'
Protein context (NP_109590.3, residues 66-86): PSGTAAAVAA[Asp76Asn]KYHRGSKALP

ClinVar aggregate classification (germline): Uncertain significance. Review status: criteria provided, multiple submitters, no conflicts (2 of 4 stars). 5 submissions from 5 submitters: Uncertain significance (5). Last evaluated 2026-01-26.

Conditions:
Inborn genetic diseases. Identifiers: MedGen C0950123, MeSH D030342.
Smith-Magenis syndrome (SMS). Also called: CHROMOSOME 17p11.2 DELETION SYNDROME. Identifiers: Orphanet 819, MedGen C0795864, MONDO:0008434, OMIM 182290.
RAI1-related disorder. Also called: RAI1-related condition.

Allele frequency attached by ClinVar (database versions not stated): gnomAD exomes below 0.00001 and 0.00001; gnomAD 0.00001; TOPMed 0.00004.

Submissions (5):

PreventionGenetics, part of Exact Sciences
Classification: Uncertain significance for RAI1-related condition. Last evaluated: 2026-01-26. Review status: criteria provided, single submitter. Criteria: ACMG Guidelines, 2015. Collection method: clinical testing. Allele origin: germline.
Comment: The RAI1 c.226G>A variant is predicted to result in the amino acid substitution p.Asp76Asn. To our knowledge, this variant has not been reported in the literature. This variant is reported in 0.00091% of alleles in individuals of European (Non-Finnish) descent in gnomAD. At this time, the clinical significance of this variant is uncertain due to the absence of conclusive functional and genetic evidence.

Ambry Genetics
Classification: Uncertain significance for Inborn genetic diseases. Last evaluated: 2025-08-22. Review status: criteria provided, single submitter. Criteria: Ambry Variant Classification Scheme 2023. Collection method: clinical testing. Allele origin: germline.

Labcorp Genetics (formerly Invitae), Labcorp
Classification: Uncertain significance. Last evaluated: 2024-11-21. Review status: criteria provided, single submitter. Criteria: Invitae Variant Classification Sherloc (09022015). Collection method: clinical testing. Allele origin: germline.
Comment: This sequence change replaces aspartic acid, which is acidic and polar, with asparagine, which is neutral and polar, at codon 76 of the RAI1 protein (p.Asp76Asn). This variant is present in population databases (no rsID available, gnomAD 0.0009%). This variant has not been reported in the literature in individuals affected with RAI1-related conditions. ClinVar contains an entry for this variant (Variation ID: 1098707). An algorithm developed to predict the effect of missense changes on protein structure and function (PolyPhen-2) suggests that this variant¬†is likely to be tolerated. In summary, the available evidence is currently insufficient to determine the role of this variant in disease. Therefore, it has been classified as a Variant of Uncertain Significance.

Fulgent Genetics
Classification: Uncertain significance for Smith-Magenis syndrome. Last evaluated: 2024-05-13. Review status: criteria provided, single submitter. Criteria: ACMG Guidelines, 2015. Collection method: clinical testing. Allele origin: germline.

New York Genome Center
Classification: Uncertain significance for Smith-Magenis syndrome. Last evaluated: 2020-07-17. Review status: criteria provided, single submitter. Criteria: NYGC Assertion Criteria 2020. Collection method: clinical testing. Allele origin: inherited. Observed: 1 heterozygote. Study: CSER-NYCKidSeq.